The following is an entry in ClinVar:

ClinVar aggregate classification (germline): Uncertain significance. Review status: criteria provided, multiple submitters, no conflicts (2 of 4 stars). 3 submissions from 3 submitters: Uncertain significance (3). Last evaluated 2020-03-11.

Allele frequency attached by ClinVar (database versions not stated): gnomAD exomes below 0.00001; gnomAD 0.00001; TOPMed 0.00001.
gnomAD v4.1: 4 of 1,613,206 alleles (0.00025%); highest among the groups gnomAD compares: South Asian, 0.0011%; no homozygotes.

Submissions (3):

Laboratory for Molecular Medicine, Mass General Brigham Personalized Medicine
Classification: Uncertain significance. Last evaluated: 2020-03-11. Review status: criteria provided, single submitter. Criteria: LMM Criteria. Collection method: clinical testing. Allele origin: germline. Observed: 1 variant allele.
Comment: The p.Ala21047Thr variant in TTN has not been previously reported in individuals with cardiomyopathy but has been identified in 0.001% (2/127700) of European chromosomes by gnomAD. Computational prediction tools and conservation analysis suggest that this variant may impact the protein, though this information is not predictive enough to determine pathogenicity. In summary, the clinical significance of this variant is uncertain. ACMG/AMP criteria applied: PM2.

Athena Diagnostics
Classification: Uncertain significance. Last evaluated: 2019-12-31. Review status: criteria provided, single submitter. Criteria: Athena Diagnostics Criteria. Collection method: clinical testing. Allele origin: unknown.

Eurofins Ntd Llc (ga)
Classification: Uncertain significance. Last evaluated: 2018-07-03. Review status: criteria provided, single submitter. Criteria: EGL ClinVar v180209 classification definitions. Collection method: clinical testing. Allele origin: germline. Observed: 1 variant allele, 1 heterozygote.

NM_001267550.2(TTN):c.70843G>A (p.Ala23615Thr)

Genes: TTN-AS1 (TTN antisense RNA 1; plus strand), TTN (titin; minus strand). Cytogenetic location: 2q31.2.
Variant type: single nucleotide variant.
Coding change: c.70843G>A on transcript NM_001267550.2 (MANE Select); coding-DNA position 70843, G replaced by A.
Protein change: p.Ala23615Thr; replaces alanine 23615 with threonine.
Molecular consequence: missense variant.
Genome position (GRCh38, 1-based): chr2:178,575,289, C>T on the plus strand (G>A on the coding strand, the complement: TTN is on the minus strand). VCF-style: chr2-178575289-C-T. GRCh37 (hg19) VCF-style: chr2-179440016-C-T.
Other names: c.65920G>A, p.Ala21974Thr (NM_001256850.1); c.43648G>A, p.Ala14550Thr (NM_003319.4); c.63139G>A, p.Ala21047Thr (NM_133378.4); c.44023G>A, p.Ala14675Thr (NM_133432.3); c.44224G>A, p.Ala14742Thr (NM_133437.4); short protein forms A23615T, A21047T, A14550T, A14742T, A21974T, A14675T.
Identifiers: ClinVar variation 196062 (VCV000196062.10), dbSNP rs574614034, ClinGen allele CA242819.